The following is an entry in ClinVar:

ClinVar aggregate classification (germline): Pathogenic. Review status: criteria provided, multiple submitters, no conflicts (2 of 4 stars). 2 submissions from 2 submitters: Pathogenic (2). Last evaluated 2023-07-12.

Conditions:
Hereditary cancer-predisposing syndrome. Also called: Tumor predisposition; Hereditary neoplastic syndrome; Neoplastic Syndromes, Hereditary; Hereditary Cancer Syndrome. Identifiers: Orphanet 140162, MedGen C0027672, MeSH D009386, MONDO:0015356.
Familial adenomatous polyposis 1 (FAP1). Also called: POLYPOSIS, ADENOMATOUS INTESTINAL; FAMILIAL ADENOMATOUS POLYPOSIS 1, ATTENUATED. Identifiers: MedGen C2713442, MONDO:0021056, OMIM 175100. Disease mechanism: loss of function.

Submissions (2):

Ambry Genetics
Classification: Pathogenic for Hereditary cancer-predisposing syndrome. Last evaluated: 2023-07-12. Review status: criteria provided, single submitter. Criteria: Ambry Variant Classification Scheme 2023. Collection method: clinical testing. Allele origin: germline.
Comment: The c.2590_2597delCATCCAGC pathogenic mutation, located in coding exon 15 of the APC gene, results from a deletion of 8 nucleotides at nucleotide positions 2590 to 2597, causing a translational frameshift with a predicted alternate stop codon (p.H864Nfs*45). This alteration occurs at the 3' terminus of theAPC gene, is not expected to trigger nonsense-mediated mRNA decay, and impacts the last 1980 amino acids of the protein. However, premature stop codons are typically deleterious in nature and the impacted region is critical for protein function and a significant portion of the protein is affected (Ambry internal data). This variant is considered to be rare based on population cohorts in the Genome Aggregation Database (gnomAD). Based on the supporting evidence, this alteration is interpreted as a disease-causing mutation.

Labcorp Genetics (formerly Invitae), Labcorp
Classification: Pathogenic for Familial adenomatous polyposis 1. Last evaluated: 2020-11-24. Review status: criteria provided, single submitter. Criteria: Invitae Variant Classification Sherloc (09022015). Collection method: clinical testing. Allele origin: germline.
Comment: For these reasons, this variant has been classified as Pathogenic. A different truncation (p.Tyr2645Lysfs*14) that lies downstream of this variant has been determined to be pathogenic (PMID: 9824584, 1316610, 27081525, 8381579, 22135120, Invitae). This suggests that deletion of this region of the APC protein is causative of disease. This variant is expected to disrupt the EB1 and HDLG binding sites, which mediate interactions with the cytoskeleton (PMID: 15311282, 17293347). While functional studies have not been performed to directly test the effect on APC protein function, this suggests that disruption of the C-terminal portion of the protein is functionally important. This variant has not been reported in the literature in individuals with APC-related conditions. This variant is not present in population databases (ExAC no frequency). This sequence change results in a premature translational stop signal in the APC gene (p.His864Asnfs*45). While this is not anticipated to result in nonsense mediated decay, it is expected to disrupt the last 1980 amino acids of the APC protein.

Literature cited by the submitters: PubMed 9824584 (cited by Labcorp Genetics (formerly Invitae), Labcorp); PubMed 1316610 (cited by Labcorp Genetics (formerly Invitae), Labcorp); PubMed 27081525 (cited by Labcorp Genetics (formerly Invitae), Labcorp); PubMed 8381579 (cited by Labcorp Genetics (formerly Invitae), Labcorp); PubMed 22135120 (cited by Labcorp Genetics (formerly Invitae), Labcorp); PubMed 15311282 (cited by Labcorp Genetics (formerly Invitae), Labcorp); PubMed 17293347 (cited by Labcorp Genetics (formerly Invitae), Labcorp).

NM_000038.6(APC):c.2590_2597del (p.His864fs)

Gene: APC (APC regulator of Wnt signaling pathway; plus strand). Cytogenetic location: 5q22.2.
Variant type: Deletion.
Coding change: c.2590_2597del on transcript NM_000038.6 (MANE Select); coding-DNA positions 2590 to 2597, 8 bases deleted (CATCCAGC; older notation c.2590_2597delCATCCAGC).
Protein change: p.His864fs; shifts the reading frame from histidine 864.
Molecular consequence: frameshift variant.
Genome position (GRCh38, 1-based): chr5:112,838,184-112,838,191, CATCCAGC deleted; deleting any 8 consecutive bases within chr5:112,838,183-112,838,191 gives the same sequence; the c. name uses the placement nearest the transcript's 3' end. VCF-style (leftmost placement, unchanged base first): chr5-112838182-ACCATCCAG-A. GRCh37 (hg19) VCF-style: chr5-112173879-ACCATCCAG-A.
Other names: c.2590_2597delCATCCAGC (NM_000038.5); c.2590_2597del, p.His864fs (NM_001127510.3, NM_001354895.2); c.2536_2543del, p.His846fs (NM_001127511.3); c.2644_2651del, p.His882fs (NM_001354896.2); c.2620_2627del, p.His874fs (NM_001354897.2); c.2515_2522del, p.His839fs (NM_001354898.2); c.2506_2513del, p.His836fs (NM_001354899.2); c.2467_2474del, p.His823fs (NM_001354900.2); and 6 more; short protein forms H581fs, H704fs, H738fs, H763fs, H773fs, H805fs, H823fs, H836fs.
Identifiers: ClinVar variation 1072665 (VCV001072665.11), dbSNP rs2149873128, ClinGen allele CA2499217465.